The following is an entry in ClinVar:

Conditions:
Breast-ovarian cancer, familial, susceptibility to, 1 (BROVCA1). Also called: BRCA1 Hereditary Breast and Ovarian Cancer; OVARIAN CANCER, SUSCEPTIBILITY TO. Identifiers: Orphanet 145, MedGen C2676676, MONDO:0011450, OMIM 604370. Disease mechanism: loss of function.

Submission:

Brotman Baty Institute, University of Washington
No classification provided (evidence only). Condition: Breast-ovarian cancer, familial 1. Review status: no classification provided. Collection method: in vitro. Allele origin: not applicable. Functional consequence: functionally_normal.
ClinVar note: "not provided" was previously submitted as the classification for the variant. However, the classification appeared to be based only on an observation of functional data so it was converted to no classification on 2025-07-30.

NM_007294.4(BRCA1):c.5332+17A>T

Gene: BRCA1 (BRCA1 DNA repair associated; minus strand). Cytogenetic location: 17q21.31.
Variant type: single nucleotide variant.
Coding change: c.5332+17A>T on transcript NM_007294.4 (MANE Select); 17 bases into the intron after coding-DNA position 5332, A replaced by T.
Molecular consequence: intron variant.
Genome position (GRCh38, 1-based): chr17:43,051,046, T>A on the plus strand (A>T on the coding strand, the complement: BRCA1 is on the minus strand). VCF-style: chr17-43051046-T-A. GRCh37 (hg19) VCF-style: chr17-41203063-T-A.
Other names: c.1879+17A>T (NM_001408458.1, NM_001408461.1, NM_001408464.1 and 7 more transcripts); c.4441+17A>T (NM_001407967.1); c.4951+17A>T (NM_001407959.1); c.5065+17A>T (NM_001407931.1, NM_001407932.1, NM_001407928.1 and 4 more transcripts); c.5188+17A>T (NM_001407747.1, NM_001407745.1, NM_001407737.1 and 21 more transcripts); c.4948+17A>T (NM_001407962.1, NM_001407960.1); c.1519+17A>T (NM_001408512.1); c.1642+17A>T (NM_001408510.1); and 74 more.
Identifiers: ClinVar variation 865612 (VCV000865612.3), dbSNP rs1597804069, ClinGen allele CA916080977.